The following is an entry in ClinVar:

NM_001029883.3(PCARE):c.397G>C (p.Glu133Gln)

Gene: PCARE (photoreceptor cilium actin regulator; minus strand). Cytogenetic location: 2p23.2.
Variant type: single nucleotide variant.
Coding change: c.397G>C on transcript NM_001029883.3 (MANE Select); coding-DNA position 397, G replaced by C.
Protein change: p.Glu133Gln; replaces glutamic acid 133 with glutamine.
Molecular consequence: missense variant.
Genome position (GRCh38, 1-based): chr2:29,073,865, C>G on the plus strand (G>C on the coding strand, the complement: PCARE is on the minus strand). VCF-style: chr2-29073865-C-G. GRCh37 (hg19) VCF-style: chr2-29296731-C-G.
Other names: short protein forms E133Q.
Identifiers: ClinVar variation 1476000 (VCV001476000.9), dbSNP rs768682214, ClinGen allele CA1592659.

ClinVar aggregate classification (germline): Uncertain significance. Review status: criteria provided, multiple submitters, no conflicts (2 of 4 stars). 2 submissions from 2 submitters: Uncertain significance (2). Last evaluated 2022-04-09.

Allele frequency attached by ClinVar (database versions not stated): ExAC 0.00001.

Submissions (2):

Labcorp Genetics (formerly Invitae), Labcorp
Classification: Uncertain significance. Last evaluated: 2022-04-09. Review status: criteria provided, single submitter. Criteria: Invitae Variant Classification Sherloc (09022015). Collection method: clinical testing. Allele origin: germline.
Comment: This sequence change replaces glutamic acid, which is acidic and polar, with glutamine, which is neutral and polar, at codon 133 of the PCARE protein (p.Glu133Gln). This variant is present in population databases (rs768682214, gnomAD 0.007%). This variant has not been reported in the literature in individuals affected with PCARE-related conditions. Algorithms developed to predict the effect of missense changes on protein structure and function are either unavailable or do not agree on the potential impact of this missense change (SIFT: "Tolerated"; PolyPhen-2: "Probably Damaging"; Align-GVGD: "Class C0"). In summary, the available evidence is currently insufficient to determine the role of this variant in disease. Therefore, it has been classified as a Variant of Uncertain Significance.

Blueprint Genetics
Classification: Uncertain significance. Last evaluated: 2019-09-30. Review status: criteria provided, single submitter. Criteria: ACMG Guidelines, 2015. Collection method: clinical testing. Allele origin: germline.